The following is an entry in ClinVar:

ClinVar aggregate classification (germline): Likely pathogenic (1 of 4 stars; one submission).

Submission:

GeneDx
Classification: Likely pathogenic. Last evaluated: 2014-12-22. Review status: criteria provided, single submitter. Criteria: GeneDx Variant Classification (06012015). Collection method: clinical testing. Allele origin: germline. Affected: yes.
Comment: c.875_877 delTCCinsCCT: p.Leu292_Leu293delinsProPhe (L292_L293delinsPF) in exon 6 of the KCNQ2 gene (NM_172107.2). The normal sequence with the deleted bases in braces and the inserted bases in brackets is: AGGC{TCC}[CCT]TTGC.The c.875_877 delTCCinsCCT variant, likely pathogenic, is caused by two nucleotide substitutions (c.875 T>C, p.L292P and c.877 C>T, p.L293F) altering adjacent amino acids on the same allele (in cis), denoted p.Leu292_Leu293delinsProPhe. The c.875_877 delTCCinsCCT variant has not been published as a mutation, nor has it been reported as a benign polymorphism to our knowledge. It results in an in-frame deletion of two Leucine residues and the insertion of a Proline and a Phenylalanine residue, denoted p.Leu292_Leu293delinsProPhe. It was not observed in approximately 6,500 individuals of European and African American ancestry in the NHLBI Exome Sequencing Project, indicating it is not a common benign variant in these populations. The c.875_877 delTCCinsCCT variant alters residues that are conserved through mammals, and other in-frame mutations have been reported in association with KCNQ2-related disorders. Therefore, this variant is a strong candidate for a pathogenic mutation, however the possibility that it is a benign variant cannot be excluded. The variant is found in EPILEPSYV2-1 panel(s).

NM_172107.4(KCNQ2):c.875_876delinsCCT (p.Leu292fs)

Gene: KCNQ2 (potassium voltage-gated channel subfamily Q member 2; minus strand). Cytogenetic location: 20q13.33.
Variant type: Indel.
Coding change: c.875_876delinsCCT on transcript NM_172107.4 (MANE Select); coding-DNA positions 875 to 876, TC replaced by CCT.
Protein change: p.Leu292fs; shifts the reading frame from leucine 292.
Molecular consequence: frameshift variant.
Genome position (GRCh38, 1-based): chr20:63,439,649-63,439,650, GA replaced by AGG on the plus strand (TC replaced by CCT on the coding strand, the reverse complement: KCNQ2 is on the minus strand). VCF-style: chr20-63439649-GA-AGG. GRCh37 (hg19) VCF-style: chr20-62071002-GA-AGG.
Other names: c.875_876delinsCCT, p.Leu292fs (NM_004518.6, NM_172106.3, NM_172108.5 and 1 more transcripts); short protein forms L292fs.
Identifiers: ClinVar variation 205941 (VCV000205941.1), dbSNP rs796052664, ClinGen allele CA315547.